The following is an entry in ClinVar:

ClinVar aggregate classification (germline): Uncertain significance (1 of 4 stars; one submission).

Allele frequency attached by ClinVar (database versions not stated): gnomAD exomes below 0.00001; gnomAD 0.00001; ExAC 0.00002; TOPMed 0.00002.
gnomAD v4.1: 7 of 1,613,672 alleles (0.00043%); highest among the groups gnomAD compares: South Asian, 0.0066%; no homozygotes.

Submission:

Labcorp Genetics (formerly Invitae), Labcorp
Classification: Uncertain significance. Last evaluated: 2022-09-07. Review status: criteria provided, single submitter. Criteria: Invitae Variant Classification Sherloc (09022015). Collection method: clinical testing. Allele origin: germline.
Comment: This variant has not been reported in the literature in individuals affected with MICAL1-related conditions. This variant is present in population databases (rs772744159, gnomAD 0.006%). This sequence change falls in intron 6 of the MICAL1 gene. It does not directly change the encoded amino acid sequence of the MICAL1 protein. It affects a nucleotide within the consensus splice site. Variants that disrupt the consensus splice site are a relatively common cause of aberrant splicing (PMID: 17576681, 9536098). Algorithms developed to predict the effect of sequence changes on RNA splicing suggest that this variant is not likely to affect RNA splicing. In summary, the available evidence is currently insufficient to determine the role of this variant in disease. Therefore, it has been classified as a Variant of Uncertain Significance.

Literature cited by the submitters: PubMed 17576681; PubMed 9536098.

NM_022765.4(MICAL1):c.833-3C>T

Gene: MICAL1 (microtubule associated monooxygenase, calponin and LIM domain containing 1; minus strand). Cytogenetic location: 6q21.
Variant type: single nucleotide variant.
Coding change: c.833-3C>T on transcript NM_022765.4 (MANE Select); 3 bases into the intron before coding-DNA position 833, C replaced by T.
Molecular consequence: intron variant.
Genome position (GRCh38, 1-based): chr6:109,451,703, G>A on the plus strand (C>T on the coding strand, the complement: MICAL1 is on the minus strand). VCF-style: chr6-109451703-G-A. GRCh37 (hg19) VCF-style: chr6-109772906-G-A.
Other names: c.890-3C>T (NM_001286613.2); c.833-3C>T (NM_001159291.2).
Identifiers: ClinVar variation 2421184 (VCV002421184.6), dbSNP rs772744159, ClinGen allele CA3953587.